The following is an entry in ClinVar:

NM_000297.4(PKD2):c.*4G>A

Gene: PKD2 (polycystin 2, transient receptor potential cation channel; plus strand). Cytogenetic location: 4q22.1.
Variant type: single nucleotide variant.
Coding change: c.*4G>A on transcript NM_000297.4 (MANE Select); 4 bases downstream of the stop codon, G replaced by A.
Molecular consequence: 3 prime UTR variant. On other transcripts: non-coding transcript variant (1).
Genome position (GRCh38, 1-based): chr4:88,075,698, G>A. VCF-style: chr4-88075698-G-A. GRCh37 (hg19) VCF-style: chr4-88996850-G-A.
Other names: c.*4G>A (NM_001440544.1).
Identifiers: ClinVar variation 4982401 (VCV004982401.1).

ClinVar aggregate classification (germline): Likely benign (1 of 4 stars; one submission).

Conditions:
PKD2-related disorder. Also called: PKD2-related condition.

gnomAD v4.1: 6 of 1,586,272 alleles (0.00038%); highest among the groups gnomAD compares: African/African-American, 0.004%; no homozygotes.

Submission:

PreventionGenetics, part of Exact Sciences
Classification: Likely benign for PKD2-related condition. Last evaluated: 2026-05-26. Review status: criteria provided, single submitter. Criteria: ACMG Guidelines, 2015. Collection method: clinical testing. Allele origin: germline.
Comment: This variant is classified as likely benign based on ACMG/AMP sequence variant interpretation guidelines (Richards et al. 2015 PMID: 25741868, with internal and published modifications).